The following is an entry in ClinVar:

ClinVar aggregate classification (germline): Pathogenic. Review status: criteria provided, multiple submitters, no conflicts (2 of 4 stars). 2 submissions from 2 submitters: Pathogenic (2). Last evaluated 2023-10-23.

Submissions (2):

Labcorp Genetics (formerly Invitae), Labcorp
Classification: Pathogenic. Last evaluated: 2023-10-23. Review status: criteria provided, single submitter. Criteria: Invitae Variant Classification Sherloc (09022015). Collection method: clinical testing. Allele origin: germline.
Comment: This sequence change replaces glycine, which is neutral and non-polar, with glutamic acid, which is acidic and polar, at codon 1767 of the COL7A1 protein (p.Gly1767Glu). This variant is not present in population databases (gnomAD no frequency). This missense change has been observed in individual(s) with autosomal dominant dystrophic epidermolysis bullosa (PMID: 29334134, 34046686, 36287101). ClinVar contains an entry for this variant (Variation ID: 265673). Advanced modeling of protein sequence and biophysical properties (such as structural, functional, and spatial information, amino acid conservation, physicochemical variation, residue mobility, and thermodynamic stability) performed at Invitae indicates that this missense variant is expected to disrupt COL7A1 protein function with a positive predictive value of 95%. This variant disrupts the triple helix domain of COL7A1. Glycine residues within the Gly-Xaa-Yaa repeats of the triple helix domain are required for the structure and stability of fibrillar collagens (PMID: 7695699, 8218237, 19344236), and variants at these glycine residues in COL7A1 are more frequently observed in individuals with disease than in the general population (PMID: 22058051). However, the clinical significance of this observation remains uncertain since only a limited number of affected individuals have been described to date. For these reasons, this variant has been classified as Pathogenic.

GeneDx
Classification: Pathogenic. Last evaluated: 2016-08-16. Review status: criteria provided, single submitter. Criteria: GeneDx Variant Classification (06012015). Collection method: clinical testing. Allele origin: germline. Affected: yes.
Comment: To our knowledge, the G1767E pathogenic variant in the COL7A1 gene has not been reported previously as a pathogenic variant nor as a benign variant. It was not observed in approximately 6,500 individuals of European and African American ancestry in the NHLBI Exome Sequencing Project, indicating it is not a common benign variant in these populations. The G1767E variant is a non-conservative amino acid substitution, which is likely to impact secondary protein structure as these residues differ in polarity, charge, size and/or other properties. This substitution occurs at a position that is conserved across species and in silico analysis predicts this variant is probably damaging to the protein structure/function. Missense variants in nearby residues (G1764D, G1770S/D, R1772W) have been reported in the Human Gene Mutation Database in association with epidermolysis bullosa (Stenson et al., 2014), supporting the functional importance of this region of the protein. We interpret G1767E as a pathogenic variant.

Literature cited by the submitters: PubMed 29334134 (cited by Labcorp Genetics (formerly Invitae), Labcorp); PubMed 34046686 (cited by Labcorp Genetics (formerly Invitae), Labcorp); PubMed 36287101 (cited by Labcorp Genetics (formerly Invitae), Labcorp); PubMed 7695699 (cited by Labcorp Genetics (formerly Invitae), Labcorp); PubMed 8218237 (cited by Labcorp Genetics (formerly Invitae), Labcorp); PubMed 19344236 (cited by Labcorp Genetics (formerly Invitae), Labcorp); PubMed 22058051 (cited by Labcorp Genetics (formerly Invitae), Labcorp).

NM_000094.4(COL7A1):c.5300G>A (p.Gly1767Glu)

Gene: COL7A1 (collagen type VII alpha 1 chain; minus strand). Cytogenetic location: 3p21.31.
Variant type: single nucleotide variant.
Coding change: c.5300G>A on transcript NM_000094.4 (MANE Select); coding-DNA position 5300, G replaced by A.
Protein change: p.Gly1767Glu; replaces glycine 1767 with glutamic acid.
Molecular consequence: missense variant.
Genome position (GRCh38, 1-based): chr3:48,579,376, C>T on the plus strand (G>A on the coding strand, the complement: COL7A1 is on the minus strand). VCF-style: chr3-48579376-C-T. GRCh37 (hg19) VCF-style: chr3-48616809-C-T.
Other names: short protein forms G1767E.
Identifiers: ClinVar variation 265673 (VCV000265673.5), dbSNP rs886039720, ClinGen allele CA10588368.